The following is an entry in ClinVar:

NM_020207.7(ERCC6L2):c.725G>T (p.Arg242Met)

Gene: ERCC6L2 (ERCC excision repair 6 like 2; plus strand). Cytogenetic location: 9q22.32.
Variant type: single nucleotide variant.
Coding change: c.725G>T on transcript NM_020207.7 (MANE Select); coding-DNA position 725, G replaced by T.
Protein change: p.Arg242Met; replaces arginine 242 with methionine.
Molecular consequence: missense variant. On other transcripts: non-coding transcript variant (1).
Genome position (GRCh38, 1-based): chr9:95,907,208, G>T. VCF-style: chr9-95907208-G-T. GRCh37 (hg19) VCF-style: chr9-98669490-G-T.
Other names: c.758G>T (NM_001010895.2); c.725G>T, p.Arg242Met (NM_001010895.4, NM_001375291.1, NM_001375292.1 and 2 more transcripts); short protein forms R242M.
Identifiers: ClinVar variation 1508784 (VCV001508784.7), dbSNP rs200549063, ClinGen allele CA5139361.
Genomic context (GRCh38, chr9:95,907,208, plus strand): 5'-TCAGAGTCACTGTTTTACATGGAAACAGAAAAGATAATGAATTAATTCGTGTAAAGCAGA[G>T]GAAATGTGAAATTGCTCTAACAACTTATGAAACACTACGCTTATGCCTGGATGAACTTAA-3'
Protein context (NP_064592.3, residues 232-252): KDNELIRVKQ[Arg242Met]KCEIALTTYE

ClinVar aggregate classification (germline): Uncertain significance. Review status: criteria provided, multiple submitters, no conflicts (2 of 4 stars). 3 submissions from 3 submitters: Uncertain significance (3). Last evaluated 2025-12-17.

Conditions:
Inborn genetic diseases. Identifiers: MedGen C0950123, MeSH D030342.

Allele frequency attached by ClinVar (database versions not stated): ExAC 0.00010; gnomAD 0.00013 and 0.00014; TOPMed 0.00014.
gnomAD v4.1: 180 of 1,613,142 alleles (0.011%); highest among the groups gnomAD compares: Non-Finnish European, 0.0058%; no homozygotes.

Submissions (3):

Labcorp Genetics (formerly Invitae), Labcorp
Classification: Uncertain significance. Last evaluated: 2025-12-17. Review status: criteria provided, single submitter. Criteria: Invitae Variant Classification Sherloc (09022015). Collection method: clinical testing. Allele origin: germline.
Comment: This sequence change replaces arginine, which is basic and polar, with methionine, which is neutral and non-polar, at codon 253 of the ERCC6L2 protein (p.Arg253Met). This variant is present in population databases (rs200549063, gnomAD 0.2%). This variant has not been reported in the literature in individuals affected with ERCC6L2-related conditions. ClinVar contains an entry for this variant (Variation ID: 1508784). Experimental studies and prediction algorithms are not available or were not evaluated, and the functional significance of this variant is currently unknown. In summary, the available evidence is currently insufficient to determine the role of this variant in disease. Therefore, it has been classified as a Variant of Uncertain Significance.

Blueprint Genetics
Classification: Uncertain significance. Last evaluated: 2024-10-14. Review status: criteria provided, single submitter. Criteria: ACMG Guidelines, 2015. Collection method: clinical testing. Allele origin: germline.

Ambry Genetics
Classification: Uncertain significance for Inborn genetic diseases. Last evaluated: 2022-08-05. Review status: criteria provided, single submitter. Criteria: Ambry Variant Classification Scheme 2023. Collection method: clinical testing. Allele origin: germline.